The following is an entry in ClinVar:

ClinVar aggregate classification (germline): Uncertain significance (1 of 4 stars; one submission).

Conditions:
Familial adenomatous polyposis 1 (FAP1). Also called: FAMILIAL ADENOMATOUS POLYPOSIS 1, ATTENUATED; POLYPOSIS, ADENOMATOUS INTESTINAL. Identifiers: MedGen C2713442, MONDO:0021056, OMIM 175100. Disease mechanism: loss of function.

Submission:

Labcorp Genetics (formerly Invitae), Labcorp
Classification: Uncertain significance for Familial adenomatous polyposis 1. Last evaluated: 2024-07-19. Review status: criteria provided, single submitter. Criteria: Invitae Variant Classification Sherloc (09022015). Collection method: clinical testing. Allele origin: germline.
Comment: This variant occurs in a non-coding region of the APC gene. It does not change the encoded amino acid sequence of the APC protein. This variant is not present in population databases (gnomAD no frequency). This variant has not been reported in the literature in individuals affected with APC-related conditions. Experimental studies and prediction algorithms are not available or were not evaluated, and the functional significance of this variant is currently unknown. In summary, the available evidence is currently insufficient to determine the role of this variant in disease. Therefore, it has been classified as a Variant of Uncertain Significance.

NM_001127511.3(APC):c.-90G>A

Gene: APC (APC regulator of Wnt signaling pathway; plus strand). Cytogenetic location: 5q22.2.
Variant type: single nucleotide variant.
Coding change: c.-90G>A on transcript NM_001127511.3; 90 bases upstream of the start codon, G replaced by A.
Molecular consequence: 5 prime UTR variant. On other transcripts: non-coding transcript variant (2).
Genome position (GRCh38, 1-based): chr5:112,707,628, G>A. VCF-style: chr5-112707628-G-A. GRCh37 (hg19) VCF-style: chr5-112043325-G-A.
Other names: c.-273G>A (NM_001354895.2, NM_001407447.1, NM_001407452.1 and 3 more transcripts); c.-90G>A (NM_001354897.2, NM_001354902.2, NM_001407446.1); c.-40G>A (NM_001407448.1, NM_001407450.1, NM_001407457.1 and 1 more transcripts); c.-64G>A (NM_001407453.1); c.-1308G>A (NM_001407470.1, NM_001407472.1).
Identifiers: ClinVar variation 1020973 (VCV001020973.9), dbSNP rs1750590013, ClinGen allele CA1573442559.